The following is an entry in ClinVar:

NM_003119.4(SPG7):c.1460A>C (p.Glu487Ala)

Gene: SPG7 (SPG7 matrix AAA peptidase subunit, paraplegin; plus strand). Cytogenetic location: 16q24.3.
Variant type: single nucleotide variant.
Coding change: c.1460A>C on transcript NM_003119.4 (MANE Select); coding-DNA position 1460, A replaced by C.
Protein change: p.Glu487Ala; replaces glutamic acid 487 with alanine.
Molecular consequence: missense variant.
Genome position (GRCh38, 1-based): chr16:89,546,668, A>C. VCF-style: chr16-89546668-A-C. GRCh37 (hg19) VCF-style: chr16-89613076-A-C.
Other names: c.1460A>C, p.Glu487Ala (NM_001363850.1); short protein forms E487A.
Identifiers: ClinVar variation 2178027 (VCV002178027.4), dbSNP rs754773999, ClinGen allele CA397426298.
Genomic context (GRCh38, chr16:89,546,668, plus strand): 5'-GCAGTAACTAGGCTTGAGCCCGACTGTCTTTCCTCCCCTGGTTCTGGCAGGAGAGGCGGG[A>C]GATTTTTGAGCAGCACCTGAAGAGCCTGAAGCTGACCCAGTCCAGCACCTTTTACTCCCA-3'
Protein context (NP_003110.1, residues 477-497): IDLPTLQERR[Glu487Ala]IFEQHLKSLK

ClinVar aggregate classification (germline): Uncertain significance (1 of 4 stars; one submission).

Conditions:
Hereditary spastic paraplegia 7 (SPG7). Also called: Spastic paraplegia 7; Hereditary spastic paraplegia Paraplegin type; SPG7-related neurologic disorder; SPASTIC PARAPLEGIA 7, AUTOSOMAL RECESSIVE, WITH OR WITHOUT CEREBELLAR ATAXIA; Autosomal recessive spastic paraplegia type 7. Identifiers: Orphanet 99013, MedGen C1846564, MONDO:0011803, OMIM 607259.

Allele frequency attached by ClinVar (database versions not stated): gnomAD exomes below 0.00001.
gnomAD v4.1: 3 of 1,604,206 alleles (0.00019%); highest among the groups gnomAD compares: Admixed American, 0.0051%; no homozygotes.

Submission:

Labcorp Genetics (formerly Invitae), Labcorp
Classification: Uncertain significance for Hereditary spastic paraplegia 7. Last evaluated: 2025-01-27. Review status: criteria provided, single submitter. Criteria: Invitae Variant Classification Sherloc (09022015). Collection method: clinical testing. Allele origin: germline.
Comment: This sequence change replaces glutamic acid, which is acidic and polar, with alanine, which is neutral and non-polar, at codon 487 of the SPG7 protein (p.Glu487Ala). This variant is present in population databases (no rsID available, gnomAD 0.006%). This variant has not been reported in the literature in individuals affected with SPG7-related conditions. ClinVar contains an entry for this variant (Variation ID: 2178027). Invitae Evidence Modeling of protein sequence and biophysical properties (such as structural, functional, and spatial information, amino acid conservation, physicochemical variation, residue mobility, and thermodynamic stability) indicates that this missense variant is not expected to disrupt SPG7 protein function with a negative predictive value of 80%. In summary, the available evidence is currently insufficient to determine the role of this variant in disease. Therefore, it has been classified as a Variant of Uncertain Significance.